The following is an entry in ClinVar:

ClinVar aggregate classification (germline): Conflicting classifications of pathogenicity. Review status: criteria provided, conflicting classifications (1 of 4 stars). 3 submissions from 3 submitters: Uncertain significance (2); Likely benign (1). Last evaluated 2026-02-02.

Conditions:
GROWTH HORMONE DEFICIENCY WITH PITUITARY ANOMALIES. Identifiers: MedGen C2750027, OMIM 182230.
Septo-optic dysplasia sequence (SOD). Also called: DE MORSIER SYNDROME; Septo-optic dysplasia. Identifiers: Orphanet 3157, MedGen C0338503, MONDO:0008428, OMIM 182230, HP:0100842.
Inborn genetic diseases. Identifiers: MedGen C0950123, MeSH D030342.

Allele frequency attached by ClinVar (database versions not stated): TOPMed 0.00001; ExAC 0.00002; gnomAD exomes 0.00002; gnomAD 0.00003.
gnomAD v4.1: 36 of 1,613,924 alleles (0.0022%); highest among the groups gnomAD compares: African/African-American, 0.004%; no homozygotes.

Submissions (3):

Labcorp Genetics (formerly Invitae), Labcorp
Classification: Uncertain significance for GROWTH HORMONE DEFICIENCY WITH PITUITARY ANOMALIES; Septo-optic dysplasia sequence. Last evaluated: 2026-02-02. Review status: criteria provided, single submitter. Criteria: Invitae Variant Classification Sherloc (09022015). Collection method: clinical testing. Allele origin: germline.
Comment: This sequence change affects codon 73 of the HESX1 mRNA. It is a 'silent' change, meaning that it does not change the encoded amino acid sequence of the HESX1 protein. RNA analysis indicates that this variant induces altered splicing and may result in an absent or altered protein product. This variant is present in population databases (rs748972176, gnomAD 0.005%). This variant has been observed in individual(s) with clinical features of HESX1-related conditions (PMID: 17148560, 30888394). ClinVar contains an entry for this variant (Variation ID: 2074752). Studies have shown that this variant results in skipping of exon 2, and produces a non-functional protein and/or introduces a premature termination codon (PMID: 30888394). In summary, the available evidence is currently insufficient to determine the role of this variant in disease. Therefore, it has been classified as a Variant of Uncertain Significance.

Ambry Genetics
Classification: Likely benign for Inborn genetic diseases. Last evaluated: 2025-03-19. Review status: criteria provided, single submitter. Criteria: Ambry Variant Classification Scheme 2023. Collection method: clinical testing. Allele origin: germline.

Blueprint Genetics
Classification: Uncertain significance. Last evaluated: 2023-12-14. Review status: criteria provided, single submitter. Criteria: ACMG Guidelines, 2015. Collection method: clinical testing. Allele origin: germline.

Literature cited by the submitters: PubMed 17148560 (cited by Labcorp Genetics (formerly Invitae), Labcorp); PubMed 30888394 (cited by Labcorp Genetics (formerly Invitae), Labcorp).

NM_003865.3(HESX1):c.219C>T (p.Ser73=)

Gene: HESX1 (HESX homeobox 1; minus strand). Cytogenetic location: 3p14.3.
Variant type: single nucleotide variant.
Coding change: c.219C>T on transcript NM_003865.3 (MANE Select); coding-DNA position 219, C replaced by T.
Protein change: p.Ser73=; no amino-acid change (serine 73 retained).
Molecular consequence: synonymous variant.
Genome position (GRCh38, 1-based): chr3:57,198,891, G>A on the plus strand (C>T on the coding strand, the complement: HESX1 is on the minus strand). VCF-style: chr3-57198891-G-A. GRCh37 (hg19) VCF-style: chr3-57232919-G-A.
Other names: c.219C>T (NM_003865.2); c.219C>T, p.Ser73= (NM_001376058.1, NM_001376059.1, NM_001376060.1 and 1 more transcripts).
Identifiers: ClinVar variation 2074752 (VCV002074752.6), dbSNP rs748972176, ClinGen allele CA2463297.